The following is an entry in ClinVar:

ClinVar aggregate classification (germline): Conflicting classifications of pathogenicity. Review status: criteria provided, conflicting classifications (1 of 4 stars). 4 submissions from 4 submitters: Uncertain significance (3); Likely benign (1). Last evaluated 2025-09-25.

Conditions:
Inborn genetic diseases. Identifiers: MedGen C0950123, MeSH D030342.

Allele frequency attached by ClinVar (database versions not stated): ExAC 0.00023; gnomAD exomes 0.00025 and 0.00061; gnomAD 0.00030 and 0.00031; TOPMed 0.00037.
gnomAD v4.1: 901 of 1,536,614 alleles (0.059%); highest among the groups gnomAD compares: Non-Finnish European, 0.072%; 2 homozygotes.

Submissions (4):

Ambry Genetics
Classification: Uncertain significance for Inborn genetic diseases. Last evaluated: 2025-09-25. Review status: criteria provided, single submitter. Criteria: Ambry Variant Classification Scheme 2023. Collection method: clinical testing. Allele origin: germline.

GeneDx
Classification: Uncertain significance. Last evaluated: 2025-03-06. Review status: criteria provided, single submitter. Criteria: GeneDx Variant Classification Process June 2021. Collection method: clinical testing. Allele origin: germline. Affected: yes.
Comment: In silico analysis supports that this missense variant does not alter protein structure/function; Has not been previously published as pathogenic or benign to our knowledge

Labcorp Genetics (formerly Invitae), Labcorp
Classification: Likely benign. Last evaluated: 2024-12-02. Review status: criteria provided, single submitter. Criteria: Invitae Variant Classification Sherloc (09022015). Collection method: clinical testing. Allele origin: germline.

Breakthrough Genomics
Classification: Uncertain significance. Review status: criteria provided, single submitter. Criteria: ACMG Guidelines, 2015. Collection method: not provided. Allele origin: germline. Inheritance: Autosomal recessive inheritance. Affected: yes.

NM_001378183.1(PIEZO2):c.4250A>G (p.Lys1417Arg)

Gene: PIEZO2 (piezo type mechanosensitive ion channel component 2; minus strand). Cytogenetic location: 18p11.22.
Variant type: single nucleotide variant.
Coding change: c.4250A>G on transcript NM_001378183.1 (MANE Select); coding-DNA position 4250, A replaced by G.
Protein change: p.Lys1417Arg; replaces lysine 1417 with arginine.
Molecular consequence: missense variant.
Genome position (GRCh38, 1-based): chr18:10,750,105, T>C on the plus strand (A>G on the coding strand, the complement: PIEZO2 is on the minus strand). VCF-style: chr18-10750105-T-C. GRCh37 (hg19) VCF-style: chr18-10750103-T-C.
Other names: c.4175A>G, p.Lys1392Arg (NM_022068.4); short protein forms K1392R, K1417R.
Identifiers: ClinVar variation 1328598 (VCV001328598.11), dbSNP rs749257673, ClinGen allele CA8892459.